The following is an entry in ClinVar:

NM_002063.4(GLRA2):c.1334G>A (p.Arg445Gln)

Genes: FANCB (FA complementation group B; minus strand), GLRA2 (glycine receptor alpha 2; plus strand). Cytogenetic location: Xp22.2.
Variant type: single nucleotide variant.
Coding change: c.1334G>A on transcript NM_002063.4 (MANE Select); coding-DNA position 1334, G replaced by A.
Protein change: p.Arg445Gln; replaces arginine 445 with glutamine.
Molecular consequence: missense variant.
Genome position (GRCh38, 1-based): chrX:14,730,460, G>A. VCF-style: chrX-14730460-G-A. GRCh37 (hg19) VCF-style: chrX-14748582-G-A.
Other names: c.1334G>A, p.Arg445Gln (NM_001118885.2, NM_001118886.2); c.1067G>A, p.Arg356Gln (NM_001171942.2); short protein forms R356Q, R445Q.
Identifiers: ClinVar variation 1334411 (VCV001334411.2), dbSNP rs768735440, ClinGen allele CA10352881.

ClinVar aggregate classification (germline): Likely pathogenic (0 of 4 stars; one submission).

Allele frequency attached by ClinVar (database versions not stated): 1000 Genomes Project 30x 0.00042; gnomAD exomes 0.00001; TOPMed 0.00003; 1000 Genomes Project 0.00026; ExAC 0.00001; gnomAD 0.00003.
gnomAD v4.1: 12 of 1,203,603 alleles (0.001%); highest among the groups gnomAD compares: Admixed American, 0.0044%; no homozygotes.

Submission:

Wangler Lab, Baylor College of Medicine
Classification: Likely pathogenic. Last evaluated: 2022-01-10. Review status: no assertion criteria provided. Collection method: research. Allele origin: maternal. Inheritance: X-linked recessive inheritance. Affected: yes. Observed: 1 hemizygote.
Comment: Marcogliese et al., (2022) have identified 13 unrelated subjects with a variable neurodevelopmental disorder with or without autistic features. This variant (c.1134G>A) results in p.Arg445Gln. This change has a very low allele frequency in GnomAD (PM2) and in silico models predict pathogenicity (PP3). We classify this variant to be likely pathogenic based on our cohort of affected individuals with similar phenotypes.